The following is an entry in ClinVar:

ClinVar aggregate classification (germline): Uncertain significance (1 of 4 stars; one submission).

Conditions:
Developmental delay, hypotonia, and impaired language (DEDHIL). Identifiers: MedGen C5774202, MONDO:0859280, OMIM 620012.

Submission:

3billion
Classification: Uncertain significance for Developmental delay, hypotonia, and impaired language. Last evaluated: 2025-09-16. Review status: criteria provided, single submitter. Criteria: ACMG Guidelines, 2015. Collection method: clinical testing. Allele origin: germline. Affected: yes.
Comment: The variant is not observed in the gnomAD v4.1.0 dataset. Predicted Consequence/Location: Missense variant. Missense changes are a common disease-causing mechanism. Different missense changes at the same codon have been reported as of uncertain significance (ClinVar ID: VCV002713418). Therefore, this variant is classified as VUS according to the recommendation of ACMG/AMP guideline.

NM_001349798.2(FBXW7):c.1540G>C (p.Val514Leu)

Gene: FBXW7 (F-box and WD repeat domain containing 7; minus strand). Cytogenetic location: 4q31.3.
Variant type: single nucleotide variant.
Coding change: c.1540G>C on transcript NM_001349798.2 (MANE Select); coding-DNA position 1540, G replaced by C.
Protein change: p.Val514Leu; replaces valine 514 with leucine.
Molecular consequence: missense variant.
Genome position (GRCh38, 1-based): chr4:152,326,110, C>G on the plus strand (G>C on the coding strand, the complement: FBXW7 is on the minus strand). VCF-style: chr4-152326110-C-G. GRCh37 (hg19) VCF-style: chr4-153247262-C-G.
Other names: c.1186G>C, p.Val396Leu (NM_001013415.2); c.1300G>C, p.Val434Leu (NM_018315.5); c.1540G>C, p.Val514Leu (NM_033632.3); short protein forms V396L, V434L, V514L.
Identifiers: ClinVar variation 4853912 (VCV004853912.1).